The following is an entry in ClinVar:

NM_006440.5(TXNRD2):c.1321C>T (p.Arg441Ter)

Gene: TXNRD2 (thioredoxin reductase 2; minus strand). Cytogenetic location: 22q11.21.
Variant type: single nucleotide variant.
Coding change: c.1321C>T on transcript NM_006440.5 (MANE Select); coding-DNA position 1321, C replaced by T.
Protein change: p.Arg441Ter; replaces arginine 441 with a stop codon.
Molecular consequence: nonsense. On other transcripts: non-coding transcript variant (1).
Genome position (GRCh38, 1-based): chr22:19,878,392, G>A on the plus strand (C>T on the coding strand, the complement: TXNRD2 is on the minus strand). VCF-style: chr22-19878392-G-A. GRCh37 (hg19) VCF-style: chr22-19865915-G-A.
Other names: c.1318C>T, p.Arg440Ter (NM_001352300.2); c.1231C>T, p.Arg411Ter (NM_001352301.2); c.1033C>T, p.Arg345Ter (NM_001352302.2); short protein forms R441*, R411*, R345*, R440*.
Identifiers: ClinVar variation 155853 (VCV000155853.9), dbSNP rs200162480, ClinGen allele CA345907.

ClinVar aggregate classification (germline): Conflicting classifications of pathogenicity. Review status: criteria provided, conflicting classifications (1 of 4 stars). 3 submissions from 3 submitters: Likely pathogenic (1); Uncertain significance (2). Last evaluated 2024-03-14.

Conditions:
Glucocorticoid deficiency 5. Identifiers: MedGen C4540522, MONDO:0040502, OMIM 617825.
Primary dilated cardiomyopathy (DCM). Also called: Dilated Cardiomyopathy. Identifiers: Orphanet 217604, MedGen C0007193, MeSH D002311, MONDO:0005021, HP:0001644. Inheritance: Various modes of inheritance.

Allele frequency attached by ClinVar (database versions not stated): gnomAD exomes 0.00001 and 0.00002; TOPMed 0.00001; ExAC 0.00002; ESP Exome Variant Server 0.00008.
gnomAD v4.1: 17 of 1,613,782 alleles (0.0011%); highest among the groups gnomAD compares: East Asian, 0.0022%; no homozygotes.

Submissions (3):

Genomic Medicine Center of Excellence, King Faisal Specialist Hospital and Research Centre
Classification: Likely pathogenic for Glucocorticoid deficiency 5. Last evaluated: 2024-03-14. Review status: criteria provided, single submitter. Criteria: ACMG Guidelines, 2015. Collection method: clinical testing. Allele origin: germline.

Blueprint Genetics
Classification: Uncertain significance. Last evaluated: 2021-09-23. Review status: criteria provided, single submitter. Criteria: ACMG Guidelines, 2015. Collection method: clinical testing. Allele origin: germline.

Labcorp Genetics (formerly Invitae), Labcorp
Classification: Uncertain significance for Primary dilated cardiomyopathy. Last evaluated: 2021-07-19. Review status: criteria provided, single submitter. Criteria: Invitae Variant Classification Sherloc (09022015). Collection method: clinical testing. Allele origin: germline.
Comment: This sequence change creates a premature translational stop signal (p.Arg441*) in the TXNRD2 gene. It is expected to result in an absent or disrupted protein product. However, the current clinical and genetic evidence is not sufficient to establish whether loss-of-function variants in TXNRD2 cause disease. This variant is present in population databases (rs200162480, ExAC 0.006%). This variant has not been reported in the literature in individuals affected with TXNRD2-related conditions. ClinVar contains an entry for this variant (Variation ID: 155853). In summary, the available evidence is currently insufficient to determine the role of this variant in disease. Therefore, it has been classified as a Variant of Uncertain Significance.